The following is an entry in ClinVar:

NM_005609.4(PYGM):c.855+1G>A

Gene: PYGM (glycogen phosphorylase, muscle associated; minus strand). Cytogenetic location: 11q13.1.
Variant type: single nucleotide variant.
Coding change: c.855+1G>A on transcript NM_005609.4 (MANE Select); the canonical splice donor site of the intron after coding-DNA position 855, G replaced by A.
Molecular consequence: splice donor variant.
Genome position (GRCh38, 1-based): chr11:64,755,272, C>T on the plus strand (G>A on the coding strand, the complement: PYGM is on the minus strand). VCF-style: chr11-64755272-C-T. GRCh37 (hg19) VCF-style: chr11-64522744-C-T.
Other names: c.591+1G>A (NM_001164716.1).
Identifiers: ClinVar variation 1065967 (VCV001065967.10), dbSNP rs2135836123, ClinGen allele CA381179406.

ClinVar aggregate classification (germline): Likely pathogenic. Review status: criteria provided, single submitter (1 of 4 stars). 2 submissions from 2 submitters: Likely pathogenic (1). 1 of the submissions does not count toward it. Last evaluated 2023-05-13.

Conditions:
Glycogen storage disease, type V (GSD5). Also called: MCARDLE DISEASE; MUSCLE GLYCOGEN PHOSPHORYLASE DEFICIENCY; MYOPHOSPHORYLASE DEFICIENCY; PYGM DEFICIENCY; McArdle type glycogen storage disease. Identifiers: Orphanet 368, MedGen C0017924, MONDO:0009293, OMIM 232600.

gnomAD v4.1: 1 of 1,613,842 alleles (0.000062%); no homozygotes.

Submissions (2):

Labcorp Genetics (formerly Invitae), Labcorp
Classification: Likely pathogenic for Glycogen storage disease, type V. Last evaluated: 2023-05-13. Review status: criteria provided, single submitter. Criteria: Invitae Variant Classification Sherloc (09022015). Collection method: clinical testing. Allele origin: germline.
Comment: In summary, the currently available evidence indicates that the variant is pathogenic, but additional data are needed to prove that conclusively. Therefore, this variant has been classified as Likely Pathogenic. Algorithms developed to predict the effect of sequence changes on RNA splicing suggest that this variant may disrupt the consensus splice site. ClinVar contains an entry for this variant (Variation ID: 1065967). This variant has not been reported in the literature in individuals affected with PYGM-related conditions. This variant is not present in population databases (gnomAD no frequency). This sequence change affects a donor splice site in intron 7 of the PYGM gene. It is expected to disrupt RNA splicing. Variants that disrupt the donor or acceptor splice site typically lead to a loss of protein function (PMID: 16199547), and loss-of-function variants in PYGM are known to be pathogenic (PMID: 8316268, 16786513).

Natera, Inc.
Classification: Likely pathogenic for Glycogen storage disease V. Last evaluated: 2021-01-11. Review status: no assertion criteria provided. Collection method: clinical testing. Allele origin: germline. Not counted in ClinVar's aggregate classification.

Literature cited by the submitters: PubMed 16199547 (cited by Labcorp Genetics (formerly Invitae), Labcorp); PubMed 8316268 (cited by Labcorp Genetics (formerly Invitae), Labcorp); PubMed 16786513 (cited by Labcorp Genetics (formerly Invitae), Labcorp).